The following is an entry in ClinVar:

NM_000548.5(TSC2):c.1080T>G (p.Ile360Met)

Gene: TSC2 (TSC complex subunit 2; plus strand). Cytogenetic location: 16p13.3.
Variant type: single nucleotide variant.
Coding change: c.1080T>G on transcript NM_000548.5 (MANE Select); coding-DNA position 1080, T replaced by G.
Protein change: p.Ile360Met; replaces isoleucine 360 with methionine.
Molecular consequence: missense variant.
Genome position (GRCh38, 1-based): chr16:2,060,774, T>G. VCF-style: chr16-2060774-T-G. GRCh37 (hg19) VCF-style: chr16-2110775-T-G.
Other names: c.1080T>G, p.Ile360Met (NM_001077183.3, NM_001114382.3, NM_001363528.2 and 3 more transcripts); c.969T>G, p.Ile323Met (NM_001318827.2); c.933T>G, p.Ile311Met (NM_001318829.2); c.480T>G, p.Ile160Met (NM_001318831.2); c.1113T>G, p.Ile371Met (NM_001318832.2); short protein forms I311M, I360M, I371M, I160M, I323M.
Identifiers: ClinVar variation 969552 (VCV000969552.12), dbSNP rs2086534827, ClinGen allele CA394318069.

ClinVar aggregate classification (germline): Uncertain significance. Review status: criteria provided, multiple submitters, no conflicts (2 of 4 stars). 2 submissions from 2 submitters: Uncertain significance (2). Last evaluated 2022-05-30.

Conditions:
Hereditary cancer-predisposing syndrome. Also called: Hereditary neoplastic syndrome; Hereditary Cancer Syndrome; Tumor predisposition; Neoplastic Syndromes, Hereditary. Identifiers: Orphanet 140162, MedGen C0027672, MeSH D009386, MONDO:0015356.
Tuberous sclerosis 2 (TSC2). Identifiers: Orphanet 805, MedGen C1860707, MONDO:0013199, OMIM 613254.

Submissions (2):

Ambry Genetics
Classification: Uncertain significance for Hereditary cancer-predisposing syndrome. Last evaluated: 2022-05-30. Review status: criteria provided, single submitter. Criteria: Ambry Variant Classification Scheme 2023. Collection method: clinical testing. Allele origin: germline.
Comment: The p.I360M variant (also known as c.1080T>G), located in coding exon 10 of the TSC2 gene, results from a T to G substitution at nucleotide position 1080. The isoleucine at codon 360 is replaced by methionine, an amino acid with highly similar properties. This amino acid position is conserved. In addition, this alteration is predicted to be tolerated by in silico analysis. Since supporting evidence is limited at this time, the clinical significance of this alteration remains unclear.

Labcorp Genetics (formerly Invitae), Labcorp
Classification: Uncertain significance for Tuberous sclerosis 2. Last evaluated: 2019-10-23. Review status: criteria provided, single submitter. Criteria: Invitae Variant Classification Sherloc (09022015). Collection method: clinical testing. Allele origin: germline.
Comment: This sequence change replaces isoleucine with methionine at codon 360 of the TSC2 protein (p.Ile360Met). The isoleucine residue is moderately conserved and there is a small physicochemical difference between isoleucine and methionine. This variant is not present in population databases (ExAC no frequency). In summary, the available evidence is currently insufficient to determine the role of this variant in disease. Therefore, it has been classified as a Variant of Uncertain Significance. Algorithms developed to predict the effect of missense changes on protein structure and function are either unavailable or do not agree on the potential impact of this missense change (SIFT: "Deleterious"; PolyPhen-2: "Benign"; Align-GVGD: "Class C0"). This variant has not been reported in the literature in individuals with TSC2-related conditions.